The following is an entry in ClinVar:

ClinVar aggregate classification (germline): Conflicting classifications of pathogenicity. Review status: criteria provided, conflicting classifications (1 of 4 stars). 3 submissions from 3 submitters: Likely pathogenic (1); Uncertain significance (2). Last evaluated 2024-03-26.

Conditions:
Cystic fibrosis (CF). Also called: MUCOVISCIDOSIS. Identifiers: Orphanet 586, MedGen C0010674, MONDO:0009061, OMIM 219700. Disease mechanism: loss of function.

gnomAD v4.1: 1 of 1,607,006 alleles (0.000062%); no homozygotes.

Submissions (3):

Genomic Medicine Center of Excellence, King Faisal Specialist Hospital and Research Centre
Classification: Likely pathogenic for Cystic fibrosis. Last evaluated: 2024-03-26. Review status: criteria provided, single submitter. Criteria: ACMG Guidelines, 2015. Collection method: clinical testing. Allele origin: germline.

Ambry Genetics
Classification: Uncertain significance for Cystic fibrosis. Last evaluated: 2023-11-18. Review status: criteria provided, single submitter. Criteria: Ambry Variant Classification Scheme 2023. Collection method: clinical testing. Allele origin: germline.
Comment: The p.I471F variant (also known as c.1411A>T), located in coding exon 11 of the CFTR gene, results from an A to T substitution at nucleotide position 1411. The isoleucine at codon 471 is replaced by phenylalanine, an amino acid with highly similar properties. This amino acid position is conserved. In addition, this alteration is predicted to be deleterious by in silico analysis. Since supporting evidence is limited at this time, the clinical significance of this alteration remains unclear.

Labcorp Genetics (formerly Invitae), Labcorp
Classification: Uncertain significance for Cystic fibrosis. Last evaluated: 2022-09-03. Review status: criteria provided, single submitter. Criteria: Invitae Variant Classification Sherloc (09022015). Collection method: clinical testing. Allele origin: germline.
Comment: This sequence change replaces isoleucine, which is neutral and non-polar, with phenylalanine, which is neutral and non-polar, at codon 471 of the CFTR protein (p.Ile471Phe). This variant is not present in population databases (gnomAD no frequency). This variant has not been reported in the literature in individuals affected with CFTR-related conditions. Algorithms developed to predict the effect of missense changes on protein structure and function are either unavailable or do not agree on the potential impact of this missense change (SIFT: "Deleterious"; PolyPhen-2: "Benign"; Align-GVGD: "Class C0"). In summary, the available evidence is currently insufficient to determine the role of this variant in disease. Therefore, it has been classified as a Variant of Uncertain Significance.

NM_000492.4(CFTR):c.1411A>T (p.Ile471Phe)

Genes: CFTR (CF transmembrane conductance regulator; plus strand), CFTR-AS1 (CFTR antisense RNA 1; minus strand). Cytogenetic location: 7q31.2.
Variant type: single nucleotide variant.
Coding change: c.1411A>T on transcript NM_000492.4 (MANE Select); coding-DNA position 1411, A replaced by T.
Protein change: p.Ile471Phe; replaces isoleucine 471 with phenylalanine.
Molecular consequence: missense variant.
Genome position (GRCh38, 1-based): chr7:117,559,482, A>T. VCF-style: chr7-117559482-A-T. GRCh37 (hg19) VCF-style: chr7-117199536-A-T.
Other names: short protein forms I471F.
Identifiers: ClinVar variation 2150527 (VCV002150527.3), dbSNP rs1459732115, ClinGen allele CA368984326.